The following is an entry in ClinVar:

ClinVar aggregate classification (germline): Likely benign. Review status: criteria provided, multiple submitters, no conflicts (2 of 4 stars). 2 submissions from 2 submitters: Likely benign (2). Last evaluated 2024-07-04.

Allele frequency attached by ClinVar (database versions not stated): gnomAD 0.00001; gnomAD exomes 0.00001 and 0.00002; TOPMed 0.00001; ExAC 0.00002.
gnomAD v4.1: 37 of 1,613,878 alleles (0.0023%); highest among the groups gnomAD compares: Non-Finnish European, 0.003%; no homozygotes.

Submissions (2):

Blueprint Genetics
Classification: Likely benign. Last evaluated: 2024-07-04. Review status: criteria provided, single submitter. Criteria: ACMG Guidelines, 2015. Collection method: clinical testing. Allele origin: germline.

Laboratory for Molecular Medicine, Mass General Brigham Personalized Medicine
Classification: Likely benign. Last evaluated: 2014-07-24. Review status: criteria provided, single submitter. Criteria: LMM Criteria. Collection method: clinical testing. Allele origin: germline. Observed: 2 variant alleles.
Comment: Ala271Ala in exon 4 of GRXCR1: This variant is not expected to have clinical sig nificance because it does not alter an amino acid residue and is not located wit hin the splice consensus sequence.

NM_001080476.3(GRXCR1):c.813C>A (p.Ala271=)

Gene: GRXCR1 (glutaredoxin and cysteine rich domain containing 1; plus strand). Cytogenetic location: 4p13.
Variant type: single nucleotide variant.
Coding change: c.813C>A on transcript NM_001080476.3 (MANE Select); coding-DNA position 813, C replaced by A.
Protein change: p.Ala271=; no amino-acid change (alanine 271 retained).
Molecular consequence: synonymous variant.
Genome position (GRCh38, 1-based): chr4:43,030,480, C>A. VCF-style: chr4-43030480-C-A. GRCh37 (hg19) VCF-style: chr4-43032497-C-A.
Identifiers: ClinVar variation 163656 (VCV000163656.5), dbSNP rs727503090, ClinGen allele CA176273.